The following is an entry in ClinVar:

NM_001267550.2(TTN):c.12234C>G (p.Thr4078=)

Gene: TTN (titin; minus strand). Cytogenetic location: 2q31.2.
Variant type: single nucleotide variant.
Coding change: c.12234C>G on transcript NM_001267550.2 (MANE Select); coding-DNA position 12234, C replaced by G.
Protein change: p.Thr4078=; no amino-acid change (threonine 4078 retained).
Molecular consequence: synonymous variant. On other transcripts: intron variant (1).
Genome position (GRCh38, 1-based): chr2:178,740,999, G>C on the plus strand (C>G on the coding strand, the complement: TTN is on the minus strand). VCF-style: chr2-178740999-G-C. GRCh37 (hg19) VCF-style: chr2-179605726-G-C.
Other names: p.T3761T:ACC>ACG; c.11283C>G, p.Thr3761= (NM_001256850.1); c.11145C>G, p.Thr3715= (NM_003319.4); c.11520C>G, p.Thr3840= (NM_133432.3); c.11721C>G, p.Thr3907= (NM_133437.4); c.10361-2639C>G (NM_133378.4).
Identifiers: ClinVar variation 47822 (VCV000047822.69), dbSNP rs192857526, ClinGen allele CA284531.

ClinVar aggregate classification (germline): Benign/Likely benign. Review status: criteria provided, multiple submitters, no conflicts (2 of 4 stars). 13 submissions from 13 submitters: Benign (4); Likely benign (5). 4 of the submissions do not count toward it. Last evaluated 2026-08-01.

Conditions:
Dilated cardiomyopathy 1G (CMD1G). Identifiers: Orphanet 154, MedGen C1858763, MONDO:0011400, OMIM 604145.
Autosomal recessive limb-girdle muscular dystrophy type 2J (LGMDR10). Also called: MUSCULAR DYSTROPHY, LIMB-GIRDLE, AUTOSOMAL RECESSIVE 10; Limb-girdle muscular dystrophy, type 2J. Identifiers: Orphanet 140922, MedGen C1837342, MONDO:0012127, OMIM 608807.
Cardiovascular phenotype. Identifiers: MedGen CN230736.
Cardiomyopathy (CMYO). Also called: Cardiomyopathies. Identifiers: Orphanet 167848, MedGen C0878544, MONDO:0004994, HP:0001638. Inheritance: Various modes of inheritance.

Allele frequency attached by ClinVar (database versions not stated): gnomAD exomes 0.00017 and 0.00027; ESP Exome Variant Server 0.00017; 1000 Genomes Project 30x 0.00016; 1000 Genomes Project 0.00020; TOPMed 0.00023; ExAC 0.00027; gnomAD 0.00027 and 0.00022.
gnomAD v4.1: 297 of 1,613,864 alleles (0.018%); highest among the groups gnomAD compares: South Asian, 0.13%; no homozygotes.

Submissions (13):

CeGaT Center for Human Genetics Tuebingen
Classification: Likely benign. Last evaluated: 2026-08-01. Review status: criteria provided, single submitter. Criteria: CeGaT Center For Human Genetics Tuebingen Variant Classification Criteria Version 2. Collection method: clinical testing. Allele origin: germline. Affected: yes. Observed: 11 variant alleles.
Comment: TTN: BP4, BP7

Labcorp Genetics (formerly Invitae), Labcorp
Classification: Benign for Dilated cardiomyopathy 1G; Autosomal recessive limb-girdle muscular dystrophy type 2J. Last evaluated: 2026-02-01. Review status: criteria provided, single submitter. Criteria: Invitae Variant Classification Sherloc (09022015). Collection method: clinical testing. Allele origin: germline.

Molecular Diagnostic Laboratory for Inherited Cardiovascular Disease, Montreal Heart Institute
Classification: Benign. Last evaluated: 2025-04-09. Review status: criteria provided, single submitter. Criteria: ACMG Guidelines, 2015. Collection method: clinical testing. Allele origin: germline. Affected: no.
Comment: BS1; BP7

Blueprint Genetics
Classification: Likely benign. Last evaluated: 2024-11-07. Review status: criteria provided, single submitter. Criteria: ACMG Guidelines, 2015. Collection method: clinical testing. Allele origin: germline.

Ambry Genetics
Classification: Benign for Cardiovascular phenotype. Last evaluated: 2020-11-23. Review status: criteria provided, single submitter. Criteria: Ambry Variant Classification Scheme 2023. Collection method: clinical testing. Allele origin: germline.

CHEO Genetics Diagnostic Laboratory, Children's Hospital of Eastern Ontario
Classification: Likely benign for Cardiomyopathy. Last evaluated: 2020-08-24. Review status: criteria provided, single submitter. Criteria: ACMG Guidelines, 2015. Collection method: clinical testing. Allele origin: germline.

Eurofins Ntd Llc (ga)
Classification: Likely benign. Last evaluated: 2018-07-16. Review status: criteria provided, single submitter. Criteria: EGL ClinVar v180209 classification definitions. Collection method: clinical testing. Allele origin: germline. Observed: 3 variant alleles, 3 heterozygotes.

Laboratory for Molecular Medicine, Mass General Brigham Personalized Medicine
Classification: Likely benign. Last evaluated: 2015-04-16. Review status: criteria provided, single submitter. Criteria: LMM Criteria. Collection method: clinical testing. Allele origin: germline. Observed: 2 variant alleles.
Comment: p.Thr3840Thr in exon 45B of TTN: This variant is not expected to have clinical s ignificance because it does not alter an amino acid residue and is not located w ithin the splice consensus sequence. It has been identified in 0.1% (17/16508) o f South Asian chromosomes by the Exome Aggregation Consortium (ExAC .; dbSNP rs192857526).

GeneDx
Classification: Benign. Last evaluated: 2014-08-26. Review status: criteria provided, single submitter. Criteria: GeneDx Variant Classification (06012015). Collection method: clinical testing. Allele origin: germline. Affected: yes.
Comment: This variant is considered likely benign or benign based on one or more of the following criteria: it is a conservative change, it occurs at a poorly conserved position in the protein, it is predicted to be benign by multiple in silico algorithms, and/or has population frequency not consistent with disease.

Clinical Genetics DNA and cytogenetics Diagnostics Lab, Erasmus MC, Erasmus Medical Center
Classification: Likely benign. Review status: no assertion criteria provided. Collection method: clinical testing. Allele origin: germline. Affected: yes. Study: VKGL Data-share Consensus. Not counted in ClinVar's aggregate classification.

Clinical Genetics, Academic Medical Center
Classification: Benign. Review status: no assertion criteria provided. Collection method: clinical testing. Allele origin: germline. Affected: yes. Study: VKGL Data-share Consensus. Not counted in ClinVar's aggregate classification.

Diagnostic Laboratory, Department of Genetics, University Medical Center Groningen
Classification: Likely benign. Review status: no assertion criteria provided. Collection method: clinical testing. Allele origin: germline. Affected: yes. Study: VKGL Data-share Consensus. Not counted in ClinVar's aggregate classification.

Joint Genome Diagnostic Labs from Nijmegen and Maastricht, Radboudumc and MUMC+
Classification: Likely benign. Review status: no assertion criteria provided. Collection method: clinical testing. Allele origin: germline. Affected: yes. Study: VKGL Data-share Consensus. Not counted in ClinVar's aggregate classification.